The following is an entry in ClinVar:

NM_001378454.1(ALMS1):c.7493A>T (p.Glu2498Val)

Gene: ALMS1 (ALMS1 centrosome and basal body associated protein; plus strand). Cytogenetic location: 2p13.1.
Variant type: single nucleotide variant.
Coding change: c.7493A>T on transcript NM_001378454.1 (MANE Select); coding-DNA position 7493, A replaced by T.
Protein change: p.Glu2498Val; replaces glutamic acid 2498 with valine.
Molecular consequence: missense variant.
Genome position (GRCh38, 1-based): chr2:73,454,020, A>T. VCF-style: chr2-73454020-A-T. GRCh37 (hg19) VCF-style: chr2-73681147-A-T.
Other names: c.7496A>T, p.Glu2499Val (NM_015120.4); short protein forms E2499V, E2498V.
Identifiers: ClinVar variation 459886 (VCV000459886.9), dbSNP rs1164499906, ClinGen allele CA347292588.
Genomic context (GRCh38, chr2:73,454,020, plus strand): 5'-CACTGGCTGCACATGTGAAAAACCTTCTGCAATGTGAATCCTCACTGAATCATGCTAAAG[A>T]AATACTCAGAAATGCAGAGGAAGAGGAAAGCCGGGTACGAGCACATGGTAAGAAGAAAGT-3'
Protein context (NP_001365383.1, residues 2488-2508): QCESSLNHAK[Glu2498Val]ILRNAEEEES

ClinVar aggregate classification (germline): Uncertain significance. Review status: criteria provided, multiple submitters, no conflicts (2 of 4 stars). 3 submissions from 3 submitters: Uncertain significance (2). 1 of the submissions does not count toward it. Last evaluated 2024-01-15.

Conditions:
Alstrom syndrome (ALMS). Identifiers: Orphanet 64, MedGen C0268425, MONDO:0008763, OMIM 203800.

Allele frequency attached by ClinVar (database versions not stated): gnomAD exomes 0.00001 and 0.00002.
gnomAD v4.1: 5 of 1,613,470 alleles (0.00031%); highest among the groups gnomAD compares: Admixed American, 0.0083%; no homozygotes.

Submissions (3):

Labcorp Genetics (formerly Invitae), Labcorp
Classification: Uncertain significance for Alstrom syndrome. Last evaluated: 2024-01-15. Review status: criteria provided, single submitter. Criteria: Invitae Variant Classification Sherloc (09022015). Collection method: clinical testing. Allele origin: germline.
Comment: This sequence change replaces glutamic acid, which is acidic and polar, with valine, which is neutral and non-polar, at codon 2499 of the ALMS1 protein (p.Glu2499Val). This variant is present in population databases (no rsID available, gnomAD 0.01%). This variant has not been reported in the literature in individuals affected with ALMS1-related conditions. ClinVar contains an entry for this variant (Variation ID: 459886). Experimental studies and prediction algorithms are not available or were not evaluated, and the functional significance of this variant is currently unknown. In summary, the available evidence is currently insufficient to determine the role of this variant in disease. Therefore, it has been classified as a Variant of Uncertain Significance.

Fulgent Genetics
Classification: Uncertain significance for Alstrom syndrome. Last evaluated: 2021-10-28. Review status: criteria provided, single submitter. Criteria: ACMG Guidelines, 2015. Collection method: clinical testing. Allele origin: unknown.

Natera, Inc.
Classification: Uncertain significance for Alstrom syndrome. Last evaluated: 2020-10-05. Review status: no assertion criteria provided. Collection method: clinical testing. Allele origin: germline. Not counted in ClinVar's aggregate classification.